The following is an entry in ClinVar:

NM_006939.4(SOS2):c.892C>T (p.Gln298Ter)

Gene: SOS2 (SOS Ras/Rho guanine nucleotide exchange factor 2; minus strand). Cytogenetic location: 14q21.3.
Variant type: single nucleotide variant.
Coding change: c.892C>T on transcript NM_006939.4 (MANE Select); coding-DNA position 892, C replaced by T.
Protein change: p.Gln298Ter; replaces glutamine 298 with a stop codon.
Molecular consequence: nonsense.
Genome position (GRCh38, 1-based): chr14:50,180,649, G>A on the plus strand (C>T on the coding strand, the complement: SOS2 is on the minus strand). VCF-style: chr14-50180649-G-A. GRCh37 (hg19) VCF-style: chr14-50647367-G-A.
Other names: c.892C>T, p.Gln298Ter (NM_001411020.1); short protein forms Q298*.
Identifiers: ClinVar variation 2857929 (VCV002857929.3), dbSNP rs1191120745, ClinGen allele CA389647069.

ClinVar aggregate classification (germline): Uncertain significance (1 of 4 stars; one submission).

Conditions:
Noonan syndrome 9 (NS9). Identifiers: Orphanet 648, MedGen C4225282, MONDO:0014691, OMIM 616559.

Allele frequency attached by ClinVar (database versions not stated): gnomAD exomes below 0.00001.
gnomAD v4.1: 1 of 1,601,342 alleles (0.000062%); highest among the groups gnomAD compares: South Asian, 0.0011%; no homozygotes.

Submission:

Labcorp Genetics (formerly Invitae), Labcorp
Classification: Uncertain significance for Noonan syndrome 9. Last evaluated: 2023-05-01. Review status: criteria provided, single submitter. Criteria: Invitae Variant Classification Sherloc (09022015). Collection method: clinical testing. Allele origin: germline.
Comment: In summary, the available evidence is currently insufficient to determine the role of this variant in disease. Therefore, it has been classified as a Variant of Uncertain Significance. This sequence change creates a premature translational stop signal (p.Gln298*) in the SOS2 gene. It is expected to result in an absent or disrupted protein product. However, the current clinical and genetic evidence is not sufficient to establish whether loss-of-function variants in SOS2 cause disease. This variant is not present in population databases (gnomAD no frequency). This variant has not been reported in the literature in individuals affected with SOS2-related conditions.